The following is an entry in ClinVar:

NM_000377.3(WAS):c.559+6T>C

Gene: WAS (WASP actin nucleation promoting factor; plus strand). Cytogenetic location: Xp11.23.
Variant type: single nucleotide variant.
Coding change: c.559+6T>C on transcript NM_000377.3 (MANE Select); 6 bases into the intron after coding-DNA position 559, T replaced by C.
Molecular consequence: intron variant.
Genome position (GRCh38, 1-based): chrX:48,686,140, T>C. VCF-style: chrX-48686140-T-C. GRCh37 (hg19) VCF-style: chrX-48544529-T-C.
Other names: c.559+6T>C (NM_001438879.1, NM_001438877.1, NM_001438878.1 and 1 more transcripts).
Identifiers: ClinVar variation 4793353 (VCV004793353.1).

ClinVar aggregate classification (germline): Uncertain significance (1 of 4 stars; one submission).

Conditions:
Wiskott-Aldrich syndrome (WAS). Also called: ALDRICH SYNDROME; IMMUNODEFICIENCY 2; WISKOTT-ALDRICH SYNDROME 1; Wiskott-aldrich syndrome, somatic. Identifiers: Orphanet 906, MedGen C0043194, MONDO:0010518, OMIM 301000.
X-linked severe congenital neutropenia (SCNX). Identifiers: Orphanet 86788, MedGen C1845987, MONDO:0010294, OMIM 300299.
Thrombocytopenia 1. Also called: THROMBOCYTOPENIA, X-LINKED, 1; X-Linked Thrombocytopenia (XLT); X-linked thrombocytopenia with normal platelets. Identifiers: Orphanet 268322, Orphanet 852, MedGen C1839163, MONDO:0010743, OMIM 313900.

Submission:

Labcorp Genetics (formerly Invitae), Labcorp
Classification: Uncertain significance for Wiskott-Aldrich syndrome; X-linked severe congenital neutropenia; Thrombocytopenia 1. Last evaluated: 2025-05-22. Review status: criteria provided, single submitter. Criteria: Invitae Variant Classification Sherloc (09022015). Collection method: clinical testing. Allele origin: germline.
Comment: This sequence change falls in intron 6 of the WAS gene. It does not directly change the encoded amino acid sequence of the WAS protein. It affects a nucleotide within the consensus splice site. This variant is not present in population databases (gnomAD no frequency). This variant has not been reported in the literature in individuals affected with WAS-related conditions. Variants that disrupt the consensus splice site are a relatively common cause of aberrant splicing (PMID: 17576681, 9536098). Algorithms developed to predict the effect of sequence changes on RNA splicing suggest that this variant may disrupt the consensus splice site. In summary, the available evidence is currently insufficient to determine the role of this variant in disease. Therefore, it has been classified as a Variant of Uncertain Significance.

Literature cited by the submitters: PubMed 17576681; PubMed 9536098.